The following is an entry in ClinVar:

ClinVar aggregate classification (germline): Pathogenic (1 of 4 stars; one submission).

Allele frequency attached by ClinVar (database versions not stated): gnomAD exomes below 0.00001.
gnomAD v4.1: 1 of 1,612,932 alleles (0.000062%); no homozygotes.

Submission:

Labcorp Genetics (formerly Invitae), Labcorp
Classification: Pathogenic. Last evaluated: 2023-01-13. Review status: criteria provided, single submitter. Criteria: Invitae Variant Classification Sherloc (09022015). Collection method: clinical testing. Allele origin: germline.
Comment: This variant has not been reported in the literature in individuals affected with COL11A2-related conditions. This variant is present in population databases (no rsID available, gnomAD 0.005%). This sequence change creates a premature translational stop signal (p.Gln642*) in the COL11A2 gene. It is expected to result in an absent or disrupted protein product. Loss-of-function variants in COL11A2 are known to be pathogenic (PMID: 10677296, 21204229). For these reasons, this variant has been classified as Pathogenic.

Literature cited by the submitters: PubMed 10677296; PubMed 21204229.

NM_080680.3(COL11A2):c.1924C>T (p.Gln642Ter)

Gene: COL11A2 (collagen type XI alpha 2 chain; minus strand). Cytogenetic location: 6p21.32.
Variant type: single nucleotide variant.
Coding change: c.1924C>T on transcript NM_080680.3 (MANE Select); coding-DNA position 1924, C replaced by T.
Protein change: p.Gln642Ter; replaces glutamine 642 with a stop codon.
Molecular consequence: nonsense. On other transcripts: 5 prime UTR variant (1).
Genome position (GRCh38, 1-based): chr6:33,177,459, G>A on the plus strand (C>T on the coding strand, the complement: COL11A2 is on the minus strand). VCF-style: chr6-33177459-G-A. GRCh37 (hg19) VCF-style: chr6-33145236-G-A.
Other names: c.1744C>T, p.Gln582Ter (NM_001424108.1); c.1078C>T, p.Gln360Ter (NM_001424109.1); c.898C>T, p.Gln300Ter (NM_001424110.1, NM_001424111.1); c.-123C>T (NM_001424112.1); c.1603C>T, p.Gln535Ter (NM_080679.3); c.1666C>T, p.Gln556Ter (NM_080681.3); short protein forms Q535*, Q582*, Q360*, Q642*, Q556*, Q300*.
Identifiers: ClinVar variation 2809583 (VCV002809583.3), dbSNP rs1365799072, ClinGen allele CA363654747.
Genomic context (GRCh38, chr6:33,177,459, plus strand): 5'-GGGCACCGCTCACCTGGGTCCCAGGGGTGCCCTGTTGTCCAGGAGGTCCTGGCTCTCCCT[G>A]GGGTCCCTAGAAACAGGTGACCAGGCACAGGTCAGAAGGAGATGGAGATAGAACACATTT-3'